The following is an entry in ClinVar:

ClinVar aggregate classification (germline): Uncertain significance (1 of 4 stars; one submission).

gnomAD v4.1: 1 of 1,210,866 alleles (0.000083%); highest among the groups gnomAD compares: African/African-American, 0.0017%; no homozygotes.

Submission:

Women's Health and Genetics/Laboratory Corporation of America, LabCorp
Classification: Uncertain significance. Last evaluated: 2025-09-24. Review status: criteria provided, single submitter. Criteria: LabCorp Variant Classification Summary - May 2015. Collection method: clinical testing. Allele origin: germline.
Comment: Variant summary: WNK3 c.5188C>T (p.Pro1730Ser) results in a non-conservative amino acid change in the encoded protein sequence. Algorithms developed to predict the effect of missense changes on protein structure and function are either unavailable or do not agree on the potential impact of this missense change. The variant allele was found at a frequency of 5.5e-06 in 182858 control chromosomes. The available data on variant occurrences in the general population are insufficient to allow any conclusion about variant significance. To our knowledge, no occurrence of c.5188C>T in individuals affected with WNK3-related conditions and no experimental evidence demonstrating its impact on protein function have been reported. No submitters have cited clinical-significance assessments for this variant to ClinVar. Based on the evidence outlined above, the variant was classified as uncertain significance.

NM_020922.5(WNK3):c.5188C>T (p.Pro1730Ser)

Gene: WNK3 (WNK lysine deficient protein kinase 3; minus strand). Cytogenetic location: Xp11.22.
Variant type: single nucleotide variant.
Coding change: c.5188C>T on transcript NM_020922.5 (MANE Select); coding-DNA position 5188, C replaced by T.
Protein change: p.Pro1730Ser; replaces proline 1730 with serine.
Molecular consequence: missense variant.
Genome position (GRCh38, 1-based): chrX:54,198,539, G>A on the plus strand (C>T on the coding strand, the complement: WNK3 is on the minus strand). VCF-style: chrX-54198539-G-A. GRCh37 (hg19) VCF-style: chrX-54224972-G-A.
Other names: c.5017C>T, p.Pro1673Ser (NM_001002838.4, NM_001395166.1); short protein forms P1673S, P1730S.
Identifiers: ClinVar variation 4535976 (VCV004535976.1).
Genomic context (GRCh38, chrX:54,198,539, plus strand): 5'-ACCCCGCCCCCGCCACAGCATTATACTGACAAACGTGAGGCATTCCATATGATGATAATG[G>A]CCCAGGAAATGAAGGGAGTGAGAGTCCTTGTGGCAAGGAAGTTGGGACAGCTCCACGGAT-3'
Protein context (NP_065973.2, residues 1720-1740): QGLSLPSFPG[Pro1730Ser]LSSYGMPHVC